The following is an entry in ClinVar:

ClinVar aggregate classification (germline): Uncertain significance (1 of 4 stars; one submission).

Conditions:
Intellectual developmental disorder, X-linked, syndromic 14. Also called: Syndromic X-linked intellectual disability 14. Identifiers: Orphanet 776, MedGen C1970822, MONDO:0010398, OMIM 300676.

gnomAD v4.1: 1 of 1,208,675 alleles (0.000083%); highest among the groups gnomAD compares: Non-Finnish European, 0.00011%; no homozygotes.

Submission:

Labcorp Genetics (formerly Invitae), Labcorp
Classification: Uncertain significance for Intellectual developmental disorder, X-linked, syndromic 14. Last evaluated: 2025-01-22. Review status: criteria provided, single submitter. Criteria: Invitae Variant Classification Sherloc (09022015). Collection method: clinical testing. Allele origin: germline.
Comment: This sequence change replaces lysine, which is basic and polar, with asparagine, which is neutral and polar, at codon 427 of the UPF3B protein (p.Lys427Asn). This variant is not present in population databases (gnomAD no frequency). This variant has not been reported in the literature in individuals affected with UPF3B-related conditions. Invitae Evidence Modeling of protein sequence and biophysical properties (such as structural, functional, and spatial information, amino acid conservation, physicochemical variation, residue mobility, and thermodynamic stability) indicates that this missense variant is not expected to disrupt UPF3B protein function with a negative predictive value of 80%. In summary, the available evidence is currently insufficient to determine the role of this variant in disease. Therefore, it has been classified as a Variant of Uncertain Significance.

NM_080632.3(UPF3B):c.1281G>C (p.Lys427Asn)

Gene: UPF3B (UPF3B regulator of nonsense mediated mRNA decay; minus strand). Cytogenetic location: Xq24.
Variant type: single nucleotide variant.
Coding change: c.1281G>C on transcript NM_080632.3 (MANE Select); coding-DNA position 1281, G replaced by C.
Protein change: p.Lys427Asn; replaces lysine 427 with asparagine.
Molecular consequence: missense variant.
Genome position (GRCh38, 1-based): chrX:119,837,778, C>G on the plus strand (G>C on the coding strand, the complement: UPF3B is on the minus strand). VCF-style: chrX-119837778-C-G. GRCh37 (hg19) VCF-style: chrX-118971741-C-G.
Other names: c.1242G>C, p.Lys414Asn (NM_023010.4); short protein forms K414N, K427N.
Identifiers: ClinVar variation 3609851 (VCV003609851.2).
Genomic context (GRCh38, chrX:119,837,778, plus strand): 5'-AAAAAAACCCTCATAAACAAGTTTAATGACAAGCAGCACCTTGTTTCTTATTCGATCTCT[C>G]TTGACCACTTCTTCTTTCTTTTCAGTTTTTTCTGAGCTGCCTATTGATTCTGTACTTTCA-3'
Protein context (NP_542199.1, residues 417-437): EKTEKKEEVV[Lys427Asn]RDRIRNKDRP